The following is an entry in ClinVar:

NM_001524.1(HCRT):c.47TGC[8] (p.Leu22_Pro23insLeu)

Gene: HCRT (hypocretin neuropeptide precursor; minus strand). Cytogenetic location: 17q21.2.
Variant type: Microsatellite.
Coding change: c.47TGC[8] on transcript NM_001524.1 (MANE Select); eight copies in a row of the 3-base unit TGC starting at c.47; the reference has seven copies in a row; one copy, 3 bases duplicated.
Protein change: p.Leu22_Pro23insLeu.
Genome position (GRCh38, 1-based): chr17:42,184,483-42,184,485, GCA duplicated on the plus strand (TGC on the coding strand, the reverse complement: HCRT is on the minus strand); duplicating any 3 consecutive bases within chr17:42,184,483-42,184,504 gives the same sequence; the position shown is the placement nearest the transcript's 3' end. VCF-style (leftmost placement, unchanged base first): chr17-42184482-G-GGCA. GRCh37 (hg19) VCF-style: chr17-40336500-G-GGCA.
Other names: c.65_67dupTGC (NM_001524.1).
Identifiers: ClinVar variation 3047255 (VCV003047255.2), dbSNP rs747632842, ClinGen allele CA8573270.

ClinVar aggregate classification (germline): Likely benign (0 of 4 stars; one submission).

Conditions:
HCRT-related disorder. Also called: HCRT-related condition.

Submission:

PreventionGenetics, part of Exact Sciences
Classification: Likely benign for HCRT-related condition. Last evaluated: 2019-02-22. Review status: no assertion criteria provided. Collection method: clinical testing. Allele origin: germline.
Comment: This variant is classified as likely benign based on ACMG/AMP sequence variant interpretation guidelines (Richards et al. 2015 PMID: 25741868, with internal and published modifications).